The following is an entry in ClinVar:

ClinVar aggregate classification (germline): Pathogenic (1 of 4 stars; one submission).

Conditions:
Heterotopia, periventricular, X-linked dominant (PVNH1). Also called: PERIVENTRICULAR NODULAR HETEROTOPIA 1; X-linked periventricular heterotopia; PERIVENTRICULAR NODULAR HETEROTOPIA 4; HETEROTOPIA, PERIVENTRICULAR, 1. Identifiers: Orphanet 2149, Orphanet 82004, MedGen C1848213, MONDO:0010233, OMIM 300049.
Oto-palato-digital syndrome, type II (OPD2). Also called: FACIOPALATOOSSEOUS SYNDROME; OPD II SYNDROME; Otopalatodigital Syndrome Type 2 (FLNA-OPD2); Otopalatodigital Syndrome, Type II. Identifiers: Orphanet 669, Orphanet 90652, MedGen C1844696, MONDO:0010571, OMIM 304120.
Frontometaphyseal dysplasia (FMD1). Identifiers: Orphanet 1826, MedGen C0265293, MONDO:0015942.
Melnick-Needles syndrome (MNS). Also called: MELNICK-NEEDLES OSTEODYSPLASTY; OSTEODYSPLASTY OF MELNICK AND NEEDLES; Melnick-Needles Syndrome (FLNA-MNS). Identifiers: Orphanet 2484, MedGen C0025237, MONDO:0010650, OMIM 309350.

Submission:

Labcorp Genetics (formerly Invitae), Labcorp
Classification: Pathogenic for Oto-palato-digital syndrome, type II; Heterotopia, periventricular, X-linked dominant; Frontometaphyseal dysplasia; Melnick-Needles syndrome. Last evaluated: 2017-06-07. Review status: criteria provided, single submitter. Criteria: Invitae Variant Classification Sherloc (09022015). Collection method: clinical testing. Allele origin: germline.
Comment: For these reasons, this variant has been classified as Pathogenic. Loss-of-function variants in FLNA are known to be pathogenic (PMID: 16684786, 20730588, 26471271). This variant has not been reported in the literature in individuals with a FLNA-related disease. This variant is not present in population databases (ExAC no frequency). This sequence change creates a premature translational stop signal (p.Gly1614Serfs*46) in the FLNA gene. It is expected to result in an absent or disrupted protein product.

Literature cited by the submitters: PubMed 16684786; PubMed 20730588; PubMed 26471271.

NM_001110556.2(FLNA):c.4840_4852del (p.Gly1614fs)

Gene: FLNA (filamin A; minus strand). Cytogenetic location: Xq28.
Variant type: Deletion.
Coding change: c.4840_4852del on transcript NM_001110556.2 (MANE Select); coding-DNA positions 4840 to 4852, 13 bases deleted (GGTCGCTACACCA).
Protein change: p.Gly1614fs; shifts the reading frame from glycine 1614.
Molecular consequence: frameshift variant.
Genome position (GRCh38, 1-based): chrX:154,357,527-154,357,539, TGGTGTAGCGACC deleted on the plus strand (GGTCGCTACACCA on the coding strand, the reverse complement: FLNA is on the minus strand); deleting any 13 consecutive bases within chrX:154,357,527-154,357,541 gives the same sequence; the c. name uses the placement nearest the transcript's 3' end. VCF-style (leftmost placement, unchanged base first): chrX-154357526-ATGGTGTAGCGACC-A. GRCh37 (hg19) VCF-style: chrX-153585894-ATGGTGTAGCGACC-A.
Other names: c.4840_4852delGGTCGCTACACCA (NM_001456.3); c.4840_4852del, p.Gly1614fs (NM_001456.4); short protein forms G1614fs.
Identifiers: ClinVar variation 464997 (VCV000464997.8), dbSNP rs1557177086, ClinGen allele CA658659072.
Genomic context (GRCh38, chrX:154,357,526, plus strand): 5'-GGCACGGCACGCACGCGGTACGGGGAGAAGGGGATCTCGTCACCACCGTACTTGATGAGG[ATGGTGTAGCGACC>A]TGTCACGTCTGGCACGTAGGCCACTGTATACGTGCCGTCATGGTTGTCTTGGATGTGTGT-3'